The following is an entry in ClinVar:

ClinVar aggregate classification (germline): Pathogenic (1 of 4 stars; one submission).

Submission:

GeneDx
Classification: Pathogenic. Last evaluated: 2020-11-25. Review status: criteria provided, single submitter. Criteria: GeneDx Variant Classification Process June 2021. Collection method: clinical testing. Allele origin: germline. Affected: yes.
Comment: Nonsense variant predicted to result in protein truncation or nonsense mediated decay in a gene for which loss-of-function is a known mechanism of disease; Not observed in large population cohorts (Lek et al., 2016); This variant is associated with the following publications: (PMID: 31386562)

NM_001005242.3(PKP2):c.1635T>G (p.Tyr545Ter)

Gene: PKP2 (plakophilin 2; minus strand). Cytogenetic location: 12p11.21.
Variant type: single nucleotide variant.
Coding change: c.1635T>G on transcript NM_001005242.3 (MANE Select); coding-DNA position 1635, T replaced by G.
Protein change: p.Tyr545Ter; replaces tyrosine 545 with a stop codon.
Molecular consequence: nonsense.
Genome position (GRCh38, 1-based): chr12:32,824,084, A>C on the plus strand (T>G on the coding strand, the complement: PKP2 is on the minus strand). VCF-style: chr12-32824084-A-C. GRCh37 (hg19) VCF-style: chr12-32977018-A-C.
Other names: p.Y589*:TAT>TAG; c.1767T>G, p.Tyr589Ter (NM_004572.4); short protein forms Y589*, Y545*.
Identifiers: ClinVar variation 201993 (VCV000201993.4), dbSNP rs794729108, ClinGen allele CA011402.